The following is an entry in ClinVar:

NM_006265.3(RAD21):c.1503T>G (p.Pro501=)

Gene: RAD21 (RAD21 cohesin complex component; minus strand). Cytogenetic location: 8q24.11.
Variant type: single nucleotide variant.
Coding change: c.1503T>G on transcript NM_006265.3 (MANE Select); coding-DNA position 1503, T replaced by G.
Protein change: p.Pro501=; no amino-acid change (proline 501 retained).
Molecular consequence: synonymous variant.
Genome position (GRCh38, 1-based): chr8:116,850,735, A>C on the plus strand (T>G on the coding strand, the complement: RAD21 is on the minus strand). VCF-style: chr8-116850735-A-C. GRCh37 (hg19) VCF-style: chr8-117862974-A-C.
Identifiers: ClinVar variation 588094 (VCV000588094.12), dbSNP rs150935041, ClinGen allele CA4852786.

ClinVar aggregate classification (germline): Likely benign. Review status: criteria provided, multiple submitters, no conflicts (2 of 4 stars). 3 submissions from 3 submitters: Likely benign (2). 1 of the submissions does not count toward it. Last evaluated 2025-08-06.

Conditions:
RAD21-related disorder. Also called: RAD21-related condition; RAD21- Related disorders.
Inborn genetic diseases. Identifiers: MedGen C0950123, MeSH D030342.
Cornelia de Lange syndrome 4 (CDLS4). Also called: RAD21-Related Cornelia de Lange Syndrome; CORNELIA DE LANGE SYNDROME 4 WITH OR WITHOUT MIDLINE BRAIN DEFECTS. Identifiers: Orphanet 199, MedGen C3553517, MONDO:0013864, OMIM 614701.

Allele frequency attached by ClinVar (database versions not stated): gnomAD exomes 0.00002 and 0.00004; ExAC 0.00006; 1000 Genomes Project 30x 0.00016; gnomAD 0.00016 and 0.00017; 1000 Genomes Project 0.00020; ESP Exome Variant Server 0.00023; TOPMed 0.00023.
gnomAD v4.1: 55 of 1,612,870 alleles (0.0034%); highest among the groups gnomAD compares: African/African-American, 0.067%; no homozygotes.

Submissions (3):

Labcorp Genetics (formerly Invitae), Labcorp
Classification: Likely benign for Cornelia de Lange syndrome 4. Last evaluated: 2025-08-06. Review status: criteria provided, single submitter. Criteria: Invitae Variant Classification Sherloc (09022015). Collection method: clinical testing. Allele origin: germline.

Ambry Genetics
Classification: Likely benign for Inborn genetic diseases. Last evaluated: 2016-07-26. Review status: criteria provided, single submitter. Criteria: Ambry Variant Classification Scheme 2023. Collection method: clinical testing. Allele origin: germline.

PreventionGenetics, part of Exact Sciences
Classification: Likely benign for RAD21-related condition. Last evaluated: 2023-08-09. Review status: no assertion criteria provided. Collection method: clinical testing. Allele origin: germline. Not counted in ClinVar's aggregate classification.
Comment: This variant is classified as likely benign based on ACMG/AMP sequence variant interpretation guidelines (Richards et al. 2015 PMID: 25741868, with internal and published modifications).